The following is an entry in ClinVar:

ClinVar aggregate classification (germline): Uncertain significance (1 of 4 stars; one submission).

Conditions:
Axenfeld-Rieger syndrome type 3 (RIEG3). Also called: AXENFELD-RIEGER ANOMALY WITH CARDIAC DEFECTS AND/OR SENSORINEURAL HEARING LOSS. Identifiers: Orphanet 782, MedGen C2678503, MONDO:0011233, OMIM 602482.

Allele frequency attached by ClinVar (database versions not stated): gnomAD 0.00001; gnomAD exomes below 0.00001; TOPMed below 0.00001.

Submission:

Labcorp Genetics (formerly Invitae), Labcorp
Classification: Uncertain significance for Axenfeld-Rieger syndrome type 3. Last evaluated: 2025-06-12. Review status: criteria provided, single submitter. Criteria: Invitae Variant Classification Sherloc (09022015). Collection method: clinical testing. Allele origin: germline.
Comment: This sequence change replaces aspartic acid, which is acidic and polar, with asparagine, which is neutral and polar, at codon 75 of the FOXC1 protein (p.Asp75Asn). This variant is present in population databases (no rsID available, gnomAD 0.004%). This variant has not been reported in the literature in individuals affected with FOXC1-related conditions. ClinVar contains an entry for this variant (Variation ID: 1953423). An algorithm developed to predict the effect of missense changes on protein structure and function (PolyPhen-2) suggests that this variant is likely to be disruptive. In summary, the available evidence is currently insufficient to determine the role of this variant in disease. Therefore, it has been classified as a Variant of Uncertain Significance.

NM_001453.3(FOXC1):c.223G>A (p.Asp75Asn)

Gene: FOXC1 (forkhead box C1; plus strand). Cytogenetic location: 6p25.3.
Variant type: single nucleotide variant.
Coding change: c.223G>A on transcript NM_001453.3 (MANE Select); coding-DNA position 223, G replaced by A.
Protein change: p.Asp75Asn; replaces aspartic acid 75 with asparagine.
Molecular consequence: missense variant.
Genome position (GRCh38, 1-based): chr6:1,610,668, G>A. VCF-style: chr6-1610668-G-A. GRCh37 (hg19) VCF-style: chr6-1610903-G-A.
Other names: short protein forms D75N.
Identifiers: ClinVar variation 1953423 (VCV001953423.5), dbSNP rs1050413147, ClinGen allele CA133389497.
Genomic context (GRCh38, chr6:1,610,668, plus strand): 5'-CAGTACCCGGGCGGCATGGCCCGCGCCTACGGGCCCTACACGCCGCAGCCGCAGCCCAAG[G>A]ACATGGTGAAGCCGCCCTATAGCTACATCGCGCTCATCACCATGGCCATCCAGAACGCCC-3'
Protein context (NP_001444.2, residues 65-85): GPYTPQPQPK[Asp75Asn]MVKPPYSYIA